The following is an entry in ClinVar:

ClinVar aggregate classification (germline): Pathogenic (1 of 4 stars; one submission).

Conditions:
Marfan syndrome (MFS). Also called: Marfan syndrome type 1; Marfan's syndrome; FBN1-Related Marfan Syndrome; MARFAN SYNDROME, TYPE I; Marfan syndrome, classic. Identifiers: Orphanet 284963, Orphanet 558, MedGen C0024796, MONDO:0007947, OMIM 154700.
Familial thoracic aortic aneurysm and aortic dissection (TAAD). Also called: Thoracic aortic aneurysms and dissections. Identifiers: Orphanet 91387, MedGen C4707243, MONDO:0019625.

Submission:

Labcorp Genetics (formerly Invitae), Labcorp
Classification: Pathogenic for Marfan syndrome; Familial thoracic aortic aneurysm and aortic dissection. Last evaluated: 2025-11-24. Review status: criteria provided, single submitter. Criteria: Invitae Variant Classification Sherloc (09022015). Collection method: clinical testing. Allele origin: germline.
Comment: This sequence change replaces cysteine, which is neutral and slightly polar, with phenylalanine, which is neutral and non-polar, at codon 639 of the FBN1 protein (p.Cys639Phe). This variant is not present in population databases (gnomAD no frequency). This missense change has been observed in individual(s) with clinical features of FBN1-related conditions (internal data). ClinVar contains an entry for this variant (Variation ID: 1359274). Invitae Evidence Modeling of protein sequence and biophysical properties (such as structural, functional, and spatial information, amino acid conservation, physicochemical variation, residue mobility, and thermodynamic stability) indicates that this missense variant is expected to disrupt FBN1 protein function with a positive predictive value of 95%. This variant affects a cysteine residue in the EGF-like, TGFBP or hybrid motif domains of FBN1. Cysteine residues are believed to be involved in intramolecular disulfide bridges and have been shown to be important for FBN1 protein structure (PMID: 16905551, 19349279). In addition, missense substitutions affecting cysteine residues within these domains are significantly overrepresented among patients with Marfan syndrome (PMID: 16571647, 17701892). This variant disrupts the p.Cys639 amino acid residue in FBN1. Other variant(s) that disrupt this residue have been observed in individuals with FBN1-related conditions (PMID: 31527767; internal data), which suggests that this may be a clinically significant amino acid residue. For these reasons, this variant has been classified as Pathogenic.

Literature cited by the submitters: PubMed 16905551; PubMed 19349279; PubMed 16571647; PubMed 17701892; PubMed 31527767.

NM_000138.5(FBN1):c.1916G>T (p.Cys639Phe)

Gene: FBN1 (fibrillin 1; minus strand). Cytogenetic location: 15q21.1.
Variant type: single nucleotide variant.
Coding change: c.1916G>T on transcript NM_000138.5 (MANE Select); coding-DNA position 1916, G replaced by T.
Protein change: p.Cys639Phe; replaces cysteine 639 with phenylalanine.
Molecular consequence: missense variant.
Genome position (GRCh38, 1-based): chr15:48,505,069, C>A on the plus strand (G>T on the coding strand, the complement: FBN1 is on the minus strand). VCF-style: chr15-48505069-C-A. GRCh37 (hg19) VCF-style: chr15-48797266-C-A.
Other names: short protein forms C639F.
Identifiers: ClinVar variation 1359274 (VCV001359274.8), dbSNP rs878853676, ClinGen allele CA392339042.